The following is an entry in ClinVar:

ClinVar aggregate classification (germline): Likely benign. Review status: criteria provided, multiple submitters, no conflicts (2 of 4 stars). 2 submissions from 2 submitters: Likely benign (2). Last evaluated 2025-12-16.

Conditions:
Glaucoma 1, open angle, E. Identifiers: MedGen C1842026, MONDO:0007665.
Amyotrophic lateral sclerosis type 12 (ALS12). Also called: AMYOTROPHIC LATERAL SCLEROSIS 12 WITH OR WITHOUT FRONTOTEMPORAL DEMENTIA. Identifiers: Orphanet 803, MedGen C3150692, MONDO:0013264, OMIM 613435.
Primary open angle glaucoma (POAG). Also called: OPTN-related open angle glaucoma. Identifiers: MedGen C0339573, MONDO:0100553, OMIM 137760.
OPTN-related disorder. Also called: OPTN-related condition; OPTN-related disorders.

Allele frequency attached by ClinVar (database versions not stated): ExAC 0.00002; gnomAD exomes 0.00002 and 0.00003; gnomAD 0.00003 and 0.00005; TOPMed 0.00006; 1000 Genomes Project 30x 0.00016; 1000 Genomes Project 0.00020.

Submissions (2):

PreventionGenetics, part of Exact Sciences
Classification: Likely benign for OPTN-related condition. Last evaluated: 2025-12-16. Review status: criteria provided, single submitter. Criteria: ACMG Guidelines, 2015. Collection method: clinical testing. Allele origin: germline.
Comment: This variant is classified as likely benign based on ACMG/AMP sequence variant interpretation guidelines (Richards et al. 2015 PMID: 25741868, with internal and published modifications).

Labcorp Genetics (formerly Invitae), Labcorp
Classification: Likely benign for Primary open angle glaucoma; Glaucoma 1, open angle, E; Amyotrophic lateral sclerosis type 12. Last evaluated: 2025-01-17. Review status: criteria provided, single submitter. Criteria: Invitae Variant Classification Sherloc (09022015). Collection method: clinical testing. Allele origin: germline.

NM_001008212.2(OPTN):c.1713C>T (p.His571=)

Gene: OPTN (optineurin; plus strand). Cytogenetic location: 10p13.
Variant type: single nucleotide variant.
Coding change: c.1713C>T on transcript NM_001008212.2 (MANE Select); coding-DNA position 1713, C replaced by T.
Protein change: p.His571=; no amino-acid change (histidine 571 retained).
Molecular consequence: synonymous variant.
Genome position (GRCh38, 1-based): chr10:13,136,845, C>T. VCF-style: chr10-13136845-C-T. GRCh37 (hg19) VCF-style: chr10-13178845-C-T.
Other names: c.1713C>T, p.His571= (NM_001008211.1, NM_001008213.1, NM_021980.4).
Identifiers: ClinVar variation 1159109 (VCV001159109.10), dbSNP rs187326591, ClinGen allele CA5411059.